The following is an entry in ClinVar:

ClinVar aggregate classification (germline): Uncertain significance (1 of 4 stars; one submission).

Conditions:
Multiple acyl-CoA dehydrogenase deficiency (MADD). Also called: Glutaric aciduria, type 2; Glutaric acidemia type II; GA 2; ETHYLMALONIC-ADIPICACIDURIA; GA II; Glutaric Acidemia type 2. Identifiers: Orphanet 26791, MedGen C0268596, MONDO:0009282, OMIM 231680.

Submission:

Labcorp Genetics (formerly Invitae), Labcorp
Classification: Uncertain significance for Multiple acyl-CoA dehydrogenase deficiency. Last evaluated: 2021-12-23. Review status: criteria provided, single submitter. Criteria: Invitae Variant Classification Sherloc (09022015). Collection method: clinical testing. Allele origin: germline.
Comment: This sequence change replaces lysine, which is basic and polar, with glutamic acid, which is acidic and polar, at codon 125 of the ETFDH protein (p.Lys125Glu). This variant is not present in population databases (gnomAD no frequency). This variant has not been reported in the literature in individuals affected with ETFDH-related conditions. Advanced modeling of protein sequence and biophysical properties (such as structural, functional, and spatial information, amino acid conservation, physicochemical variation, residue mobility, and thermodynamic stability) performed at Invitae indicates that this missense variant is not expected to disrupt ETFDH protein function. In summary, the available evidence is currently insufficient to determine the role of this variant in disease. Therefore, it has been classified as a Variant of Uncertain Significance.

NM_004453.4(ETFDH):c.373A>G (p.Lys125Glu)

Gene: ETFDH (electron transfer flavoprotein dehydrogenase; plus strand). Cytogenetic location: 4q32.1.
Variant type: single nucleotide variant.
Coding change: c.373A>G on transcript NM_004453.4 (MANE Select); coding-DNA position 373, A replaced by G.
Protein change: p.Lys125Glu; replaces lysine 125 with glutamic acid.
Molecular consequence: missense variant.
Genome position (GRCh38, 1-based): chr4:158,682,392, A>G. VCF-style: chr4-158682392-A-G. GRCh37 (hg19) VCF-style: chr4-159603544-A-G.
Other names: c.232A>G, p.Lys78Glu (NM_001281737.2); c.190A>G, p.Lys64Glu (NM_001281738.1); short protein forms K125E, K78E, K64E.
Identifiers: ClinVar variation 1905194 (VCV001905194.2), dbSNP rs2479080899, ClinGen allele CA358574479.